The following is an entry in ClinVar:

NM_001330078.2(NRXN1):c.4216+113C>G

Gene: NRXN1 (neurexin 1; minus strand). Cytogenetic location: 2p16.3.
Variant type: single nucleotide variant.
Coding change: c.4216+113C>G on transcript NM_001330078.2 (MANE Select); 113 bases into the intron after coding-DNA position 4216, C replaced by G.
Molecular consequence: intron variant.
Genome position (GRCh38, 1-based): chr2:49,943,591, G>C on the plus strand (C>G on the coding strand, the complement: NRXN1 is on the minus strand). VCF-style: chr2-49943591-G-C. GRCh37 (hg19) VCF-style: chr2-50170729-G-C.
Other names: c.4006+122C>G (NM_001330096.2); c.4015+113C>G (NM_001330087.2); c.4051+122C>G (NM_001330083.2); c.4150+113C>G (NM_001330084.2); c.4036+122C>G (NM_001330088.2); c.4213+113C>G (NM_001330093.2); c.4195+122C>G (NM_001330094.2); c.4075+113C>G (NM_001330095.2); and 12 more.
Identifiers: ClinVar variation 675103 (VCV000675103.2), dbSNP rs1345562, ClinGen allele CA47804768.

ClinVar aggregate classification (germline): Benign. Review status: criteria provided, multiple submitters, no conflicts (2 of 4 stars). 2 submissions from 2 submitters: Benign (2). Last evaluated 2018-06-14.

Allele frequency attached by ClinVar (database versions not stated): TOPMed 0.22169; 1000 Genomes Project 0.24461; 1000 Genomes Project 30x 0.24532.
gnomAD v4.1: 148,502 of 726,534 alleles (20%); highest among the groups gnomAD compares: East Asian, 31%; 16,226 homozygotes.

Submissions (2):

GeneDx
Classification: Benign. Last evaluated: 2018-06-14. Review status: criteria provided, single submitter. Criteria: GeneDx Variant Classification (06012015). Collection method: clinical testing. Allele origin: germline. Affected: yes.
Comment: This variant is considered likely benign or benign based on one or more of the following criteria: it is a conservative change, it occurs at a poorly conserved position in the protein, it is predicted to be benign by multiple in silico algorithms, and/or has population frequency not consistent with disease.

Breakthrough Genomics
Classification: Benign. Review status: criteria provided, single submitter. Criteria: ACMG Guidelines, 2015. Collection method: not provided. Allele origin: germline. Inheritance: Autosomal recessive inheritance. Affected: yes.